The following is an entry in ClinVar:

NM_016628.5(WAC):c.466C>T (p.Gln156Ter)

Gene: WAC (WW domain containing adaptor with coiled-coil; plus strand). Cytogenetic location: 10p12.1.
Variant type: single nucleotide variant.
Coding change: c.466C>T on transcript NM_016628.5 (MANE Select); coding-DNA position 466, C replaced by T.
Protein change: p.Gln156Ter; replaces glutamine 156 with a stop codon.
Molecular consequence: nonsense.
Genome position (GRCh38, 1-based): chr10:28,589,820, C>T. VCF-style: chr10-28589820-C-T. GRCh37 (hg19) VCF-style: chr10-28878749-C-T.
Other names: c.331C>T, p.Gln111Ter (NM_100264.3); c.466C>T, p.Gln156Ter (NM_100486.4); short protein forms Q111*, Q156*.
Identifiers: ClinVar variation 4813797 (VCV004813797.1).
Genomic context (GRCh38, chr10:28,589,820, plus strand): 5'-TCTGAGCATATTAGCTCTTCTGGGAAAAAGTACTACTACAATTGTCGAACAGAAGTTTCA[C>T]AATGGGAAAAACCAAAAGAGTGGCTTGAAAGGTAATTAGCTTTTAATCTAATTAAACATT-3'

ClinVar aggregate classification (germline): Pathogenic (1 of 4 stars; one submission).

Conditions:
DeSanto-Shinawi syndrome due to WAC point mutation (DESSH). Also called: DEVELOPMENTAL DELAY, BEHAVIORAL ABNORMALITIES, FACIAL DYSMORPHISM, AND OCULAR ABNORMALITIES; WAC-Related Intellectual Disability; Facial dysmorphism-developmental delay-behavioral abnormalities syndrome due to WAC point mutation. Identifiers: Orphanet 284169, Orphanet 466950, MedGen C5681129, MONDO:0014741, OMIM 616708.

Submission:

Variantyx, Inc.
Classification: Pathogenic for DeSanto-Shinawi syndrome due to WAC point mutation. Last evaluated: 2025-12-02. Review status: criteria provided, single submitter. Criteria: Variantyx Assertion Criteria 2022. Collection method: clinical testing. Allele origin: de novo. Inheritance: Autosomal dominant inheritance. Affected: yes.
Comment: This is a nonsense variant in the WAC gene (OMIM: 615049). Pathogenic variants in this gene have been associated with autosomal dominant Desanto-Shinawi syndrome. This variant introduces a premature termination codon in exon 5 out of 14 and is expected to result in loss of function, which is a known disease mechanism for WAC in this disorder (PMID: 27119754) (PVS1). This variant is absent from control populations (PM2).¬†This variant has not been reported in individuals with WAC-related disorders in the databases available for review. Based on the current evidence, this variant is classified as pathogenic for autosomal dominant Desanto-Shinawi syndrome.

Literature cited by the submitters: PubMed 27119754.